The following is an entry in ClinVar:

NM_015259.6(ICOSLG):c.94G>T (p.Asp32Tyr)

Gene: ICOSLG (inducible T cell costimulator ligand; minus strand). Cytogenetic location: 21q22.3.
Variant type: single nucleotide variant.
Coding change: c.94G>T on transcript NM_015259.6 (MANE Select); coding-DNA position 94, G replaced by T.
Protein change: p.Asp32Tyr; replaces aspartic acid 32 with tyrosine.
Molecular consequence: missense variant. On other transcripts: intron variant (2).
Genome position (GRCh38, 1-based): chr21:44,237,179, C>A on the plus strand (G>T on the coding strand, the complement: ICOSLG is on the minus strand). VCF-style: chr21-44237179-C-A. GRCh37 (hg19) VCF-style: chr21-45657062-C-A.
Other names: c.94G>T (NM_015259.4); c.94G>T, p.Asp32Tyr (NM_001283050.2); c.13G>T, p.Asp5Tyr (NM_001365759.2); c.55+1269G>T (NM_001283051.2); c.-48-114G>T (NM_001283052.2); short protein forms D5Y, D32Y.
Identifiers: ClinVar variation 1442567 (VCV001442567.9), dbSNP rs368372298, ClinGen allele CA321498440.
Genomic context (GRCh38, chr21:44,237,179, plus strand): 5'-CGTAAACATCATTTAAATCAAAACGGCTTCCTTCAGGGCAAGCGCAGCTGAGCTCCACGT[C>A]GCTGCCTACCATCGCTCTGACTTCCTTCTCCTGAGTATCTGCAATGGCCCAAAAGGTGCA-3'
Protein context (NP_056074.1, residues 22-42): EKEVRAMVGS[Asp32Tyr]VELSCACPEG

ClinVar aggregate classification (germline): Uncertain significance. Review status: criteria provided, multiple submitters, no conflicts (2 of 4 stars). 2 submissions from 2 submitters: Uncertain significance (2). Last evaluated 2025-10-29.

Allele frequency attached by ClinVar (database versions not stated): ESP Exome Variant Server 0.00016.

Submissions (2):

Labcorp Genetics (formerly Invitae), Labcorp
Classification: Uncertain significance. Last evaluated: 2025-10-29. Review status: criteria provided, single submitter. Criteria: Invitae Variant Classification Sherloc (09022015). Collection method: clinical testing. Allele origin: germline.
Comment: This sequence change replaces aspartic acid, which is acidic and polar, with tyrosine, which is neutral and polar, at codon 32 of the ICOSLG protein (p.Asp32Tyr). This variant is present in population databases (rs368372298, gnomAD 0.005%). This variant has not been reported in the literature in individuals affected with ICOSLG-related conditions. ClinVar contains an entry for this variant (Variation ID: 1442567). An algorithm developed to predict the effect of missense changes on protein structure and function (PolyPhen-2) suggests that this variant is likely to be disruptive. In summary, the available evidence is currently insufficient to determine the role of this variant in disease. Therefore, it has been classified as a Variant of Uncertain Significance.

Ambry Genetics
Classification: Uncertain significance. Last evaluated: 2025-08-09. Review status: criteria provided, single submitter. Criteria: Ambry Variant Classification Scheme 2023. Collection method: clinical testing. Allele origin: germline.